The following is an entry in ClinVar:

ClinVar aggregate classification (germline): Pathogenic/Likely pathogenic. Review status: criteria provided, multiple submitters, no conflicts (2 of 4 stars). 2 submissions from 2 submitters: Pathogenic (1); Likely pathogenic (1). Last evaluated 2025-08-14.

Conditions:
COL2A1-related disorder. Also called: COL2A1-related condition; COL2A1-related disorders.

Submissions (2):

Labcorp Genetics (formerly Invitae), Labcorp
Classification: Pathogenic. Last evaluated: 2025-08-14. Review status: criteria provided, single submitter. Criteria: Invitae Variant Classification Sherloc (09022015). Collection method: clinical testing. Allele origin: germline.
Comment: This sequence change creates a premature translational stop signal (p.Cys1323*) in the COL2A1 gene. It is expected to result in an absent or disrupted protein product. Loss-of-function variants in COL2A1 are known to be pathogenic (PMID: 20179744). This variant is not present in population databases (gnomAD no frequency). This variant has not been reported in the literature in individuals affected with COL2A1-related conditions. ClinVar contains an entry for this variant (Variation ID: 1453651). For these reasons, this variant has been classified as Pathogenic.

Blueprint Genetics
Classification: Likely pathogenic for COL2A1-related disorders. Last evaluated: 2021-10-27. Review status: criteria provided, single submitter. Criteria: ACMG Guidelines, 2015. Collection method: clinical testing. Allele origin: germline. Affected: yes. Observed: 1 variant allele.

Literature cited by the submitters: PubMed 20179744 (cited by Labcorp Genetics (formerly Invitae), Labcorp).

NM_001844.5(COL2A1):c.3969C>A (p.Cys1323Ter)

Gene: COL2A1 (collagen type II alpha 1 chain; minus strand). Cytogenetic location: 12q13.11.
Variant type: single nucleotide variant.
Coding change: c.3969C>A on transcript NM_001844.5 (MANE Select); coding-DNA position 3969, C replaced by A.
Protein change: p.Cys1323Ter; replaces cysteine 1323 with a stop codon.
Molecular consequence: nonsense.
Genome position (GRCh38, 1-based): chr12:47,974,780, G>T on the plus strand (C>A on the coding strand, the complement: COL2A1 is on the minus strand). VCF-style: chr12-47974780-G-T. GRCh37 (hg19) VCF-style: chr12-48368563-G-T.
Other names: c.3762C>A, p.Cys1254Ter (NM_033150.3); short protein forms C1254*, C1323*.
Identifiers: ClinVar variation 1453651 (VCV001453651.7), dbSNP rs577585827, ClinGen allele CA384535833.
Genomic context (GRCh38, chr12:47,974,780, plus strand): 5'-CTCCTTGCTCTTGCTGCTCCACCAGTTCTTCTTGGGAACGTTTGCTGGATTGGGGTAGAC[G>T]CAAGTCTCGCCAGTCTCCATGTTGCAGAAAACCTTCATGGCGTCCAAGGTGCAGCCTTGG-3'